The following is an entry in ClinVar:

ClinVar aggregate classification (germline): Conflicting classifications of pathogenicity. Review status: criteria provided, conflicting classifications (1 of 4 stars). 6 submissions from 6 submitters: Pathogenic (3); Likely pathogenic (2); Uncertain significance (1). Last evaluated 2026-11-13.

Conditions:
Baraitser-Winter syndrome 1 (BRWS1). Also called: BARAITSER-WINTER SYNDROME 1, ATYPICAL; PACHYGYRIA, MENTAL RETARDATION, EPILEPSY, AND CHARACTERISTIC FACIES; MENTAL RETARDATION WITH EPILEPSY AND CHARACTERISTIC FACIES; Cerebrofrontofacial syndrome. Identifiers: Orphanet 2649, Orphanet 2995, MedGen C1855722, MONDO:0009470, OMIM 243310.

Submissions (6):

Clinical Genetics Laboratory, Skane University Hospital Lund
Classification: Pathogenic for Baraitser-Winter syndrome 1. Last evaluated: 2026-11-13. Review status: criteria provided, single submitter. Criteria: ACMG Guidelines, 2015. Collection method: clinical testing. Allele origin: de novo. Affected: yes. Observed: 1 variant allele.
Comment: ACTB (NM_001101.5) c.454G>A, p.(Val152Met) represents a nucleotide substitution in exon 4 of 6, resulting in the replacement of a highly conserved amino acid. This amino acid substitution is predicted to have a deleterious effect on protein function. The variant has not been identified in the general population (gnomAD v4.1.2) and is classified predominantly as pathogenic/likely pathogenic in ClinVar (Accession: VCV001319338.12). ACTB is intolerant to missense variation, and the majority of variants reported as pathogenic in ClinVar are missense variants. The variant has been classified as pathogenic based on the following ACMG criteria: PS2, PS4_Moderate, PM2, PP2, and PP3.

GeneDx
Classification: Pathogenic. Last evaluated: 2025-06-09. Review status: criteria provided, single submitter. Criteria: GeneDx Variant Classification Process June 2021. Collection method: clinical testing. Allele origin: germline. Affected: yes.
Comment: Not observed at significant frequency in large population cohorts (gnomAD); In silico analysis supports that this missense variant has a deleterious effect on protein structure/function; Missense variants in this gene are a common cause of disease and they are underrepresented in the general population; Has not been previously published as pathogenic or benign to our knowledge; This variant is associated with the following publications: (PMID: Di Donato2024[Other])

Labcorp Genetics (formerly Invitae), Labcorp
Classification: Likely pathogenic for Baraitser-Winter syndrome 1. Last evaluated: 2025-04-07. Review status: criteria provided, single submitter. Criteria: Invitae Variant Classification Sherloc (09022015). Collection method: clinical testing. Allele origin: germline.
Comment: This sequence change replaces valine, which is neutral and non-polar, with methionine, which is neutral and non-polar, at codon 152 of the ACTB protein (p.Val152Met). This variant is not present in population databases (gnomAD no frequency). This missense change has been observed in individual(s) with clinical features of Baraitser-Winter syndrome (internal data). In at least one individual the variant was observed to be de novo. ClinVar contains an entry for this variant (Variation ID: 1319338). Invitae Evidence Modeling of protein sequence and biophysical properties (such as structural, functional, and spatial information, amino acid conservation, physicochemical variation, residue mobility, and thermodynamic stability) indicates that this missense variant is not expected to disrupt ACTB protein function with a negative predictive value of 80%. In summary, the currently available evidence indicates that the variant is pathogenic, but additional data are needed to prove that conclusively. Therefore, this variant has been classified as Likely Pathogenic.

Dubai Health Genomic Medicine Center, Dubai Health
Classification: Likely pathogenic for Baraitser-Winter syndrome 1. Last evaluated: 2024-10-04. Review status: criteria provided, single submitter. Criteria: ACMG Guidelines, 2015. Collection method: research. Allele origin: germline. Affected: yes.
Comment: PS2,PM2,PP3

Baylor Genetics
Classification: Uncertain significance for Baraitser-Winter syndrome 1. Last evaluated: 2022-02-18. Review status: criteria provided, single submitter. Criteria: ACMG Guidelines, 2015. Collection method: clinical testing. Allele origin: unknown.

Institute for Clinical Genetics, University Hospital TU Dresden, University Hospital TU Dresden
Classification: Pathogenic. Last evaluated: 2021-11-03. Review status: criteria provided, single submitter. Criteria: ACMG Guidelines, 2015. Collection method: clinical testing. Allele origin: germline.

NM_001101.5(ACTB):c.454G>A (p.Val152Met)

Gene: ACTB (actin beta; minus strand). Cytogenetic location: 7p22.1.
Variant type: single nucleotide variant.
Coding change: c.454G>A on transcript NM_001101.5 (MANE Select); coding-DNA position 454, G replaced by A.
Protein change: p.Val152Met; replaces valine 152 with methionine.
Molecular consequence: missense variant.
Genome position (GRCh38, 1-based): chr7:5,528,629, C>T on the plus strand (G>A on the coding strand, the complement: ACTB is on the minus strand). VCF-style: chr7-5528629-C-T. GRCh37 (hg19) VCF-style: chr7-5568260-C-T.
Other names: short protein forms V152M.
Identifiers: ClinVar variation 1319338 (VCV001319338.13), dbSNP rs2128241296, ClinGen allele CA366703598.